The following is an entry in ClinVar:

NM_001379500.1(COL18A1):c.3326_3328del (p.Pro1109del)

Genes: COL18A1 (collagen type XVIII alpha 1 chain; plus strand), SLC19A1 (solute carrier family 19 member 1; minus strand). Cytogenetic location: 21q22.3.
Variant type: Deletion.
Coding change: c.3326_3328del on transcript NM_001379500.1 (MANE Select); coding-DNA positions 3326 to 3328, 3 bases deleted (CCC; older notation c.3326_3328delCCC).
Protein change: p.Pro1109del; deletes proline 1109.
Molecular consequence: inframe deletion.
Genome position (GRCh38, 1-based): chr21:45,509,432-45,509,434, CCC deleted; deleting any 3 consecutive bases within chr21:45,509,430-45,509,434 gives the same sequence; the c. name uses the placement nearest the transcript's 3' end. VCF-style (leftmost placement, unchanged base first): chr21-45509429-ACCC-A. GRCh37 (hg19) VCF-style: chr21-46929343-ACCC-A.
Other names: c.3857_3859del, p.Pro1286del (NM_030582.4); c.4562_4564del, p.Pro1521del (NM_130444.3); short protein forms P1109del, P1286del, P1521del.
Identifiers: ClinVar variation 1425115 (VCV001425115.8), dbSNP rs768496372, ClinGen allele CA10067855.

ClinVar aggregate classification (germline): Uncertain significance (1 of 4 stars; one submission).

Submission:

Labcorp Genetics (formerly Invitae), Labcorp
Classification: Uncertain significance. Last evaluated: 2022-06-03. Review status: criteria provided, single submitter. Criteria: Invitae Variant Classification Sherloc (09022015). Collection method: clinical testing. Allele origin: germline.
Comment: In summary, the available evidence is currently insufficient to determine the role of this variant in disease. Therefore, it has been classified as a Variant of Uncertain Significance. Experimental studies and prediction algorithms are not available or were not evaluated, and the functional significance of this variant is currently unknown. ClinVar contains an entry for this variant (Variation ID: 1425115). This variant has not been reported in the literature in individuals affected with COL18A1-related conditions. This variant is present in population databases (rs768496372, gnomAD 0.08%). This variant, c.3317_3319del, results in the deletion of 1 amino acid(s) of the COL18A1 protein (p.Pro1106del), but otherwise preserves the integrity of the reading frame.